The following is an entry in ClinVar:

NM_001875.5(CPS1):c.946A>T (p.Arg316Ter)

Gene: CPS1 (carbamoyl-phosphate synthase 1; plus strand). Cytogenetic location: 2q34.
Variant type: single nucleotide variant.
Coding change: c.946A>T on transcript NM_001875.5 (MANE Select); coding-DNA position 946, A replaced by T.
Protein change: p.Arg316Ter; replaces arginine 316 with a stop codon.
Molecular consequence: nonsense. On other transcripts: non-coding transcript variant (1).
Genome position (GRCh38, 1-based): chr2:210,590,905, A>T. VCF-style: chr2-210590905-A-T. GRCh37 (hg19) VCF-style: chr2-211455629-A-T.
Other names: c.946A>T, p.Arg316Ter (NM_001122633.3, NM_001369257.1); c.979A>T, p.Arg327Ter (NM_001369256.1); short protein forms R316*, R327*.
Identifiers: ClinVar variation 2107059 (VCV002107059.4), dbSNP rs2469120980, ClinGen allele CA350430369.

ClinVar aggregate classification (germline): Pathogenic (1 of 4 stars; one submission).

Conditions:
Congenital hyperammonemia, type I. Also called: Carbamoyl-phosphate synthase I deficiency; CPS I DEFICIENCY; Carbamoyl phosphate synthetase 1 deficiency; Hyperammonemia due to carbamoyl phosphate synthetase 1 deficiency; CPS 1 deficiency; Carbamyl phosphate synthetase (CPS) deficiency. Identifiers: Orphanet 147, MedGen C4082171, MONDO:0009376, OMIM 237300.

Allele frequency attached by ClinVar (database versions not stated): gnomAD exomes below 0.00001.
gnomAD v4.1: 1 of 1,610,270 alleles (0.000062%); highest among the groups gnomAD compares: Non-Finnish European, 0.000085%; no homozygotes.

Submission:

Labcorp Genetics (formerly Invitae), Labcorp
Classification: Pathogenic for Congenital hyperammonemia, type I. Last evaluated: 2022-06-04. Review status: criteria provided, single submitter. Criteria: Invitae Variant Classification Sherloc (09022015). Collection method: clinical testing. Allele origin: germline.
Comment: For these reasons, this variant has been classified as Pathogenic. Algorithms developed to predict the effect of sequence changes on RNA splicing suggest that this variant may create or strengthen a splice site. This variant has not been reported in the literature in individuals affected with CPS1-related conditions. This variant is not present in population databases (gnomAD no frequency). This sequence change creates a premature translational stop signal (p.Arg316*) in the CPS1 gene. It is expected to result in an absent or disrupted protein product. Loss-of-function variants in CPS1 are known to be pathogenic (PMID: 21120950).

Literature cited by the submitters: PubMed 21120950.